The following is an entry in ClinVar:

NM_001363711.2(DUOX2):c.2482T>C (p.Phe828Leu)

Gene: DUOX2 (dual oxidase 2; minus strand). Cytogenetic location: 15q21.1.
Variant type: single nucleotide variant.
Coding change: c.2482T>C on transcript NM_001363711.2 (MANE Select); coding-DNA position 2482, T replaced by C.
Protein change: p.Phe828Leu; replaces phenylalanine 828 with leucine.
Molecular consequence: missense variant.
Genome position (GRCh38, 1-based): chr15:45,104,218, A>G on the plus strand (T>C on the coding strand, the complement: DUOX2 is on the minus strand). VCF-style: chr15-45104218-A-G. GRCh37 (hg19) VCF-style: chr15-45396416-A-G.
Other names: c.2482T>C, p.Phe828Leu (NM_014080.5); short protein forms F828L.
Identifiers: ClinVar variation 2710364 (VCV002710364.3), dbSNP rs2504761414, ClinGen allele CA392269597.

ClinVar aggregate classification (germline): Uncertain significance (1 of 4 stars; one submission).

Allele frequency attached by ClinVar (database versions not stated): gnomAD exomes below 0.00001.
gnomAD v4.1: 1 of 1,614,110 alleles (0.000062%); highest among the groups gnomAD compares: South Asian, 0.0011%; no homozygotes.

Submission:

Labcorp Genetics (formerly Invitae), Labcorp
Classification: Uncertain significance. Last evaluated: 2024-01-19. Review status: criteria provided, single submitter. Criteria: Invitae Variant Classification Sherloc (09022015). Collection method: clinical testing. Allele origin: germline.
Comment: This sequence change replaces phenylalanine, which is neutral and non-polar, with leucine, which is neutral and non-polar, at codon 828 of the DUOX2 protein (p.Phe828Leu). This variant is not present in population databases (gnomAD no frequency). This variant has not been reported in the literature in individuals affected with DUOX2-related conditions. Advanced modeling of protein sequence and biophysical properties (such as structural, functional, and spatial information, amino acid conservation, physicochemical variation, residue mobility, and thermodynamic stability) performed at Invitae indicates that this missense variant is expected to disrupt DUOX2 protein function with a positive predictive value of 80%. In summary, the available evidence is currently insufficient to determine the role of this variant in disease. Therefore, it has been classified as a Variant of Uncertain Significance.